The following is an entry in ClinVar:

NM_031483.7(ITCH):c.1250A>G (p.Asn417Ser)

Gene: ITCH (itchy E3 ubiquitin protein ligase; plus strand). Cytogenetic location: 20q11.22.
Variant type: single nucleotide variant.
Coding change: c.1250A>G on transcript NM_031483.7 (MANE Select); coding-DNA position 1250, A replaced by G.
Protein change: p.Asn417Ser; replaces asparagine 417 with serine.
Molecular consequence: missense variant.
Genome position (GRCh38, 1-based): chr20:34,457,429, A>G. VCF-style: chr20-34457429-A-G. GRCh37 (hg19) VCF-style: chr20-33045234-A-G.
Other names: c.1373A>G, p.Asn458Ser (NM_001257137.3, NM_001324197.2); c.920A>G, p.Asn307Ser (NM_001257138.3); c.1250A>G, p.Asn417Ser (NM_001324198.2); c.1250A>G (NM_031483.4); short protein forms N307S, N417S, N458S.
Identifiers: ClinVar variation 1055372 (VCV001055372.9), dbSNP rs1229642621, ClinGen allele CA408665716.

ClinVar aggregate classification (germline): Uncertain significance. Review status: criteria provided, multiple submitters, no conflicts (2 of 4 stars). 2 submissions from 2 submitters: Uncertain significance (2). Last evaluated 2025-12-24.

Conditions:
Inborn genetic diseases. Identifiers: MedGen C0950123, MeSH D030342.
Syndromic multisystem autoimmune disease due to ITCH deficiency. Also called: AUTOIMMUNE DISEASE, MULTISYSTEM, WITH FACIAL DYSMORPHISM. Identifiers: Orphanet 228426, MedGen C3150649, MONDO:0013245, OMIM 613385.

Allele frequency attached by ClinVar (database versions not stated): gnomAD exomes below 0.00001 and 0.00001; gnomAD 0.00001; TOPMed 0.00002.
gnomAD v4.1: 9 of 1,613,814 alleles (0.00056%); highest among the groups gnomAD compares: South Asian, 0.0022%; no homozygotes.

Submissions (2):

Labcorp Genetics (formerly Invitae), Labcorp
Classification: Uncertain significance for Syndromic multisystem autoimmune disease due to ITCH deficiency. Last evaluated: 2025-12-24. Review status: criteria provided, single submitter. Criteria: Invitae Variant Classification Sherloc (09022015). Collection method: clinical testing. Allele origin: germline.
Comment: This sequence change replaces asparagine, which is neutral and polar, with serine, which is neutral and polar, at codon 417 of the ITCH protein (p.Asn417Ser). The frequency data for this variant in the population databases is considered unreliable, as metrics indicate poor data quality at this position in the gnomAD database. This variant has not been reported in the literature in individuals affected with ITCH-related conditions. ClinVar contains an entry for this variant (Variation ID: 1055372). An algorithm developed to predict the effect of missense changes on protein structure and function (PolyPhen-2) suggests that this variant is likely to be disruptive. In summary, the available evidence is currently insufficient to determine the role of this variant in disease. Therefore, it has been classified as a Variant of Uncertain Significance.

Ambry Genetics
Classification: Uncertain significance for Inborn genetic diseases. Last evaluated: 2024-11-24. Review status: criteria provided, single submitter. Criteria: Ambry Variant Classification Scheme 2023. Collection method: clinical testing. Allele origin: germline.